The following is an entry in ClinVar:

ClinVar aggregate classification (germline): Pathogenic (1 of 4 stars; one submission).

Conditions:
Primary ciliary dyskinesia. Also called: Ciliary dyskinesia. Identifiers: Orphanet 244, MedGen C0008780, MONDO:0016575, HP:0012265.

Allele frequency attached by ClinVar (database versions not stated): gnomAD exomes below 0.00001; ExAC 0.00001.
gnomAD v4.1: 3 of 1,611,942 alleles (0.00019%); highest among the groups gnomAD compares: Non-Finnish European, 0.00025%; no homozygotes.

Submission:

Labcorp Genetics (formerly Invitae), Labcorp
Classification: Pathogenic for Primary ciliary dyskinesia. Last evaluated: 2023-05-11. Review status: criteria provided, single submitter. Criteria: Invitae Variant Classification Sherloc (09022015). Collection method: clinical testing. Allele origin: germline.
Comment: This variant has not been reported in the literature in individuals affected with DNAH11-related conditions. This variant is present in population databases (rs765632800, gnomAD 0.0009%). This sequence change creates a premature translational stop signal (p.Arg3809*) in the DNAH11 gene. It is expected to result in an absent or disrupted protein product. Loss-of-function variants in DNAH11 are known to be pathogenic (PMID: 18022865, 20513915, 22184204). Algorithms developed to predict the effect of sequence changes on RNA splicing suggest that this variant may create or strengthen a splice site. For these reasons, this variant has been classified as Pathogenic.

Literature cited by the submitters: PubMed 18022865; PubMed 20513915; PubMed 22184204.

NM_001277115.2(DNAH11):c.11425C>T (p.Arg3809Ter)

Gene: DNAH11 (dynein axonemal heavy chain 11; plus strand). Cytogenetic location: 7p15.3.
Variant type: single nucleotide variant.
Coding change: c.11425C>T on transcript NM_001277115.2 (MANE Select); coding-DNA position 11425, C replaced by T.
Protein change: p.Arg3809Ter; replaces arginine 3809 with a stop codon.
Molecular consequence: nonsense.
Genome position (GRCh38, 1-based): chr7:21,864,586, C>T. VCF-style: chr7-21864586-C-T. GRCh37 (hg19) VCF-style: chr7-21904204-C-T.
Other names: c.11446C>T, p.Arg3816Ter (NM_003777.3); short protein forms R3809*, R3816*.
Identifiers: ClinVar variation 2723132 (VCV002723132.3), dbSNP rs765632800, ClinGen allele CA4182744.